The following is an entry in ClinVar:

NM_201384.3(PLEC):c.5810C>T (p.Ala1937Val)

Gene: PLEC (plectin; minus strand). Cytogenetic location: 8q24.3.
Variant type: single nucleotide variant.
Coding change: c.5810C>T on transcript NM_201384.3 (MANE Select); coding-DNA position 5810, C replaced by T.
Protein change: p.Ala1937Val; replaces alanine 1937 with valine.
Molecular consequence: missense variant.
Genome position (GRCh38, 1-based): chr8:143,924,119, G>A on the plus strand (C>T on the coding strand, the complement: PLEC is on the minus strand). VCF-style: chr8-143924119-G-A. GRCh37 (hg19) VCF-style: chr8-144998287-G-A.
Other names: c.5891C>T (NM_000445.3); c.5891C>T, p.Ala1964Val (NM_000445.5); c.5768C>T, p.Ala1923Val (NM_201378.4); c.5744C>T, p.Ala1915Val (NM_201379.3); c.6221C>T, p.Ala2074Val (NM_201380.4); c.5714C>T, p.Ala1905Val (NM_201381.3); c.5810C>T, p.Ala1937Val (NM_201382.4); c.5822C>T, p.Ala1941Val (NM_201383.3); short protein forms A1937V, A1941V, A1905V, A1915V, A1923V, A2074V, A1964V.
Identifiers: ClinVar variation 2038060 (VCV002038060.5), dbSNP rs782698507, ClinGen allele CA4926234.

ClinVar aggregate classification (germline): Uncertain significance. Review status: criteria provided, multiple submitters, no conflicts (2 of 4 stars). 2 submissions from 2 submitters: Uncertain significance (2). Last evaluated 2025-10-28.

Conditions:
Epidermolysis bullosa simplex, Ogna type (EBS5A). Also called: Pidermolysis bullosa simplex 5A, Ogna type; EPIDERMOLYSIS BULLOSA SIMPLEX 5A, OGNA TYPE. Identifiers: Orphanet 79401, MedGen C0432317, MONDO:0007555, OMIM 131950.
Epidermolysis bullosa simplex 5C, with pyloric atresia (EBS5C). Also called: PLEC-Related Epidermolysis Bullosa with Pyloric Atresia; Epidermolysis bullosa simplex with pyloric atresia; PLEC1-Related Epidermolysis Bullosa with Pyloric Atresia. Identifiers: Orphanet 158684, MedGen C2677349, MONDO:0012807, OMIM 612138.
Autosomal recessive limb-girdle muscular dystrophy type 2Q (LGMDR17). Also called: MUSCULAR DYSTROPHY, LIMB-GIRDLE, AUTOSOMAL RECESSIVE 17. Identifiers: Orphanet 254361, MedGen C3150989, MONDO:0013390, OMIM 613723.
Epidermolysis bullosa simplex 5B, with muscular dystrophy (EBS5B). Also called: Epidermolysis bullosa simplex with muscular dystrophy; EPIDERMOLYSIS BULLOSA SIMPLEX AND LIMB-GIRDLE MUSCULAR DYSTROPHY. Identifiers: Orphanet 257, MedGen C2931072, MONDO:0009181, OMIM 226670.
Epidermolysis bullosa simplex with nail dystrophy (EBS5D). Identifiers: MedGen C4225309, MONDO:0014661, OMIM 616487.
Inborn genetic diseases. Identifiers: MedGen C0950123, MeSH D030342.

Allele frequency attached by ClinVar (database versions not stated): gnomAD 0.00001; ExAC 0.00002; gnomAD exomes 0.00002; TOPMed 0.00002.
gnomAD v4.1: 25 of 1,598,584 alleles (0.0016%); highest among the groups gnomAD compares: Admixed American, 0.0033%; no homozygotes.

Submissions (2):

Labcorp Genetics (formerly Invitae), Labcorp
Classification: Uncertain significance for Autosomal recessive limb-girdle muscular dystrophy type 2Q; Epidermolysis bullosa simplex, Ogna type; Epidermolysis bullosa simplex with nail dystrophy; Epidermolysis bullosa simplex 5C, with pyloric atresia; Epidermolysis bullosa simplex 5B, with muscular dystrophy. Last evaluated: 2025-10-28. Review status: criteria provided, single submitter. Criteria: Invitae Variant Classification Sherloc (09022015). Collection method: clinical testing. Allele origin: germline.
Comment: This sequence change replaces alanine, which is neutral and non-polar, with valine, which is neutral and non-polar, at codon 1964 of the PLEC protein (p.Ala1964Val). This variant is present in population databases (rs782698507, gnomAD 0.003%). This variant has not been reported in the literature in individuals affected with PLEC-related conditions. ClinVar contains an entry for this variant (Variation ID: 2038060). Experimental studies and prediction algorithms are not available or were not evaluated, and the functional significance of this variant is currently unknown. In summary, the available evidence is currently insufficient to determine the role of this variant in disease. Therefore, it has been classified as a Variant of Uncertain Significance.

Ambry Genetics
Classification: Uncertain significance for Inborn genetic diseases. Last evaluated: 2025-08-12. Review status: criteria provided, single submitter. Criteria: Ambry Variant Classification Scheme 2023. Collection method: clinical testing. Allele origin: germline.